The following is an entry in ClinVar:

NM_001005242.3(PKP2):c.969G>C (p.Gln323His)

Gene: PKP2 (plakophilin 2; minus strand). Cytogenetic location: 12p11.21.
Variant type: single nucleotide variant.
Coding change: c.969G>C on transcript NM_001005242.3 (MANE Select); coding-DNA position 969, G replaced by C.
Protein change: p.Gln323His; replaces glutamine 323 with histidine.
Molecular consequence: missense variant.
Genome position (GRCh38, 1-based): chr12:32,877,911, C>G on the plus strand (G>C on the coding strand, the complement: PKP2 is on the minus strand). VCF-style: chr12-32877911-C-G. GRCh37 (hg19) VCF-style: chr12-33030845-C-G.
Other names: c.969G>C, p.Gln323His (NM_004572.4); short protein forms Q323H.
Identifiers: ClinVar variation 919781 (VCV000919781.6), dbSNP rs879170191, ClinGen allele CA235265865.
Genomic context (GRCh38, chr12:32,877,911, plus strand): 5'-CTGGGAGTCAGTGAAAGTGCTTCTCTCAGTGAGCAGATTCCCACTTCCCCCTGCGGCCGC[C>G]TGGCCGACAGTCAAGTGCGCTCTCCTCCCGCTGGAATCCACGGCGACACTGGGCCCAGCT-3'
Protein context (NP_001005242.2, residues 313-333): SGRRAHLTVG[Gln323His]AAAGGSGNLL

ClinVar aggregate classification (germline): Uncertain significance. Review status: criteria provided, multiple submitters, no conflicts (2 of 4 stars). 2 submissions from 2 submitters: Uncertain significance (2). Last evaluated 2024-03-07.

Conditions:
Cardiovascular phenotype. Identifiers: MedGen CN230736.
Cardiomyopathy (CMYO). Also called: Cardiomyopathies. Identifiers: Orphanet 167848, MedGen C0878544, MONDO:0004994, HP:0001638. Inheritance: Various modes of inheritance.

Submissions (2):

Color Diagnostics, LLC DBA Color Health
Classification: Uncertain significance for Cardiomyopathy. Last evaluated: 2024-03-07. Review status: criteria provided, single submitter. Criteria: ACMG Guidelines, 2015. Collection method: clinical testing. Allele origin: germline.
Comment: This missense variant replaces glutamine with histidine at codon 323 of the PKP2 protein. Computational prediction suggests that this variant may not impact protein structure and function (internally defined REVEL score threshold <= 0.5, PMID: 27666373). Splice site prediction tools suggest that this variant may not impact RNA splicing. To our knowledge, functional studies have not been performed for this variant. This variant has not been reported in individuals affected with cardiovascular disorders in the literature. This variant has not been identified in the general population by the Genome Aggregation Database (gnomAD). The available evidence is insufficient to determine the role of this variant in disease conclusively. Therefore, this variant is classified as a Variant of Uncertain Significance.

Ambry Genetics
Classification: Uncertain significance for Cardiovascular phenotype. Last evaluated: 2022-03-08. Review status: criteria provided, single submitter. Criteria: Ambry Variant Classification Scheme 2023. Collection method: clinical testing. Allele origin: germline.
Comment: The p.Q323H variant (also known as c.969G>C), located in coding exon 3 of the PKP2 gene, results from a G to C substitution at nucleotide position 969. The glutamine at codon 323 is replaced by histidine, an amino acid with highly similar properties. This amino acid position is conserved. In addition, this alteration is predicted to be tolerated by in silico analysis. Since supporting evidence is limited at this time, the clinical significance of this alteration remains unclear.